The following is an entry in ClinVar:

ClinVar aggregate classification (germline): Pathogenic (1 of 4 stars; one submission).

Submission:

Daryl Scott Lab, Baylor College of Medicine
Classification: Pathogenic. Review status: criteria provided, single submitter. Criteria: ACMG/ClinGen CNV Guidelines, 2019. Collection method: curation. Allele origin: unknown. Inheritance: Autosomal recessive inheritance. Affected: yes.
Comment: PVS1, PP4, PP3

Literature cited by the submitters: PubMed 37673932.

GRCh38/hg38 10q22.1(chr10:72485363-72566418)

Genes: MICU1 (mitochondrial calcium uptake 1; minus strand), LOC130004065 (ATAC-STARR-seq lymphoblastoid silent region 2475; plus strand). Cytogenetic location: 10q22.1.
Variant type: copy number loss.
Identifiers: ClinVar variation 2499626 (VCV002499626.2).